The following is an entry in ClinVar:

ClinVar aggregate classification (germline): Pathogenic. Review status: criteria provided, multiple submitters, no conflicts (2 of 4 stars). 3 submissions from 3 submitters: Pathogenic (3). Last evaluated 2023-02-28.

Conditions:
Inborn genetic diseases. Identifiers: MedGen C0950123, MeSH D030342.
Intellectual developmental disorder 62. Also called: MENTAL RETARDATION, AUTOSOMAL DOMINANT 62; INTELLECTUAL DEVELOPMENTAL DISORDER, AUTOSOMAL DOMINANT 62. Identifiers: MedGen C5394083, MONDO:0032919, OMIM 618793.

Submissions (3):

Tumer Group, Copenhagen University Hospital, Rigshospitalet
Classification: Pathogenic for Intellectual developmental disorder 62. Last evaluated: 2023-02-28. Review status: criteria provided, single submitter. Criteria: ACMG Guidelines, 2015. Collection method: research. Allele origin: de novo. Affected: yes.

Institute of Human Genetics, University of Leipzig Medical Center
Classification: Pathogenic for Intellectual developmental disorder 62. Last evaluated: 2021-12-21. Review status: criteria provided, single submitter. Criteria: ACMG Guidelines, 2015. Collection method: research. Allele origin: de novo. Affected: yes.

Ambry Genetics
Classification: Pathogenic for Inborn genetic diseases. Last evaluated: 2021-06-10. Review status: criteria provided, single submitter. Criteria: Ambry Variant Classification Scheme 2023. Collection method: clinical testing. Allele origin: germline.
Comment: The c.322G>T (p.E108*) alteration, located in exon 6 (coding exon 6) of the DLG4 gene, consists of a G to T substitution at nucleotide position 322. This changes the amino acid from a glutamic acid (E) to a stop codon at amino acid position 108. This alteration is expected to result in loss of function by premature protein truncation or nonsense-mediated mRNA decay. Based on data from the Genome Aggregation Database (gnomAD), the DLG4 c.322G>T alteration was not observed, with coverage at this position. Based on the available evidence, this alteration is classified as pathogenic.

Literature cited by the submitters: PubMed 33597769 (cited by Institute of Human Genetics, University of Leipzig Medical Center and Ambry Genetics).

NM_001321075.3(DLG4):c.193G>T (p.Glu65Ter)

Gene: DLG4 (discs large MAGUK scaffold protein 4; minus strand). Cytogenetic location: 17p13.1.
Variant type: single nucleotide variant.
Coding change: c.193G>T on transcript NM_001321075.3 (MANE Select); coding-DNA position 193, G replaced by T.
Protein change: p.Glu65Ter; replaces glutamic acid 65 with a stop codon.
Molecular consequence: nonsense. On other transcripts: non-coding transcript variant (1).
Genome position (GRCh38, 1-based): chr17:7,204,025, C>A on the plus strand (G>T on the coding strand, the complement: DLG4 is on the minus strand). VCF-style: chr17-7204025-C-A. GRCh37 (hg19) VCF-style: chr17-7107344-C-A.
Other names: c.322G>T (NM_001365.3); c.184G>T, p.Glu62Ter (NM_001128827.4); c.313G>T, p.Glu105Ter (NM_001321074.1); c.13G>T, p.Glu5Ter (NM_001321076.3, NM_001321077.3); c.322G>T, p.Glu108Ter (NM_001365.5); c.112G>T, p.Glu38Ter (NM_001369566.3); short protein forms E105*, E108*, E38*, E5*, E62*, E65*.
Identifiers: ClinVar variation 1329878 (VCV001329878.4), dbSNP rs2142888007, ClinGen allele CA397720239.
Genomic context (GRCh38, chr17:7,204,025, plus strand): 5'-AGACGGGAGGCCACGGGGACTGCCGATGGAGGAGCCTGCTCACCCTTTCCAATGTGATTT[C>A]CTCGTATTCCATCTCCCCCTCGGTCCCGTTCACCTGCAACTCCAGCACGGGACAGAAACA-3'